The following is an entry in ClinVar:

NM_020975.6(RET):c.2263G>A (p.Val755Met)

Gene: RET (ret proto-oncogene; plus strand). Cytogenetic location: 10q11.21.
Variant type: single nucleotide variant.
Coding change: c.2263G>A on transcript NM_020975.6 (MANE Select); coding-DNA position 2263, G replaced by A.
Protein change: p.Val755Met; replaces valine 755 with methionine.
Molecular consequence: missense variant.
Genome position (GRCh38, 1-based): chr10:43,116,710, G>A. VCF-style: chr10-43116710-G-A. GRCh37 (hg19) VCF-style: chr10-43612158-G-A.
Other names: c.2263G>A, p.Val755Met (NM_000323.2, NM_001406743.1, NM_001406744.1 and 4 more transcripts); c.1501G>A, p.Val501Met (NM_001355216.2); c.2134G>A, p.Val712Met (NM_001406761.1, NM_001406762.1, NM_001406764.1); c.2128G>A, p.Val710Met (NM_001406763.1, NM_001406765.1); c.1975G>A, p.Val659Met (NM_001406766.1, NM_001406767.1, NM_001406770.1); c.1999G>A, p.Val667Met (NM_001406768.1); c.1867G>A, p.Val623Met (NM_001406769.1, NM_001406772.1); c.1825G>A, p.Val609Met (NM_001406771.1, NM_001406773.1); and 10 more; short protein forms V501M, V755M, V272M, V360M, V413M, V513M, V609M, V667M.
Identifiers: ClinVar variation 1369747 (VCV001369747.11), dbSNP rs2132909324, ClinGen allele CA376554820.

ClinVar aggregate classification (germline): Uncertain significance. Review status: criteria provided, multiple submitters, no conflicts (2 of 4 stars). 3 submissions from 3 submitters: Uncertain significance (3). Last evaluated 2025-09-04.

Conditions:
Hereditary cancer-predisposing syndrome. Also called: Neoplastic Syndromes, Hereditary; Tumor predisposition; Hereditary neoplastic syndrome; Hereditary Cancer Syndrome. Identifiers: Orphanet 140162, MedGen C0027672, MeSH D009386, MONDO:0015356.
Multiple endocrine neoplasia, type 2 (MEN2). Identifiers: Orphanet 653, MedGen C4048306, MONDO:0019003. Disease mechanism: gain of function.

Submissions (3):

Ambry Genetics
Classification: Uncertain significance for Hereditary cancer-predisposing syndrome. Last evaluated: 2025-09-04. Review status: criteria provided, single submitter. Criteria: Ambry Variant Classification Scheme 2023. Collection method: clinical testing. Allele origin: germline.
Comment: The p.V755M variant (also known as c.2263G>A), located in coding exon 12 of the RET gene, results from a G to A substitution at nucleotide position 2263. The valine at codon 755 is replaced by methionine, an amino acid with highly similar properties. This amino acid position is highly conserved in available vertebrate species. In addition, this alteration is predicted to be deleterious by in silico analysis. Based on the available evidence, the clinical significance of this variant remains unclear.

GeneDx
Classification: Uncertain significance. Last evaluated: 2025-04-23. Review status: criteria provided, single submitter. Criteria: GeneDx Variant Classification Process June 2021. Collection method: clinical testing. Allele origin: germline. Affected: yes.
Comment: Not observed at significant frequency in large population cohorts (gnomAD); In silico analysis supports that this missense variant has a deleterious effect on protein structure/function; Has not been previously published as pathogenic or benign to our knowledge; This variant is associated with the following publications: (PMID: 14633923)

Labcorp Genetics (formerly Invitae), Labcorp
Classification: Uncertain significance for Multiple endocrine neoplasia, type 2. Last evaluated: 2021-03-29. Review status: criteria provided, single submitter. Criteria: Invitae Variant Classification Sherloc (09022015). Collection method: clinical testing. Allele origin: germline.
Comment: This variant is not present in population databases (ExAC no frequency). This sequence change replaces valine with methionine at codon 755 of the RET protein (p.Val755Met). The valine residue is highly conserved and there is a small physicochemical difference between valine and methionine. In summary, the available evidence is currently insufficient to determine the role of this variant in disease. Therefore, it has been classified as a Variant of Uncertain Significance. Algorithms developed to predict the effect of missense changes on protein structure and function are either unavailable or do not agree on the potential impact of this missense change (SIFT: "Deleterious"; PolyPhen-2: "Probably Damaging"; Align-GVGD: "Class C0"). This variant has not been reported in the literature in individuals with RET-related conditions.